The following is an entry in ClinVar:

ClinVar aggregate classification (germline): Pathogenic (1 of 4 stars; one submission).

Submission:

Labcorp Genetics (formerly Invitae), Labcorp
Classification: Pathogenic. Last evaluated: 2021-07-16. Review status: criteria provided, single submitter. Criteria: Invitae Variant Classification Sherloc (09022015). Collection method: clinical testing. Allele origin: germline.
Comment: For these reasons, this variant has been classified as Pathogenic. This variant has not been reported in the literature in individuals affected with EYS-related conditions. This sequence change creates a premature translational stop signal (p.His825Leufs*43) in the EYS gene. It is expected to result in an absent or disrupted protein product. Loss-of-function variants in EYS are known to be pathogenic (PMID: 18836446, 20333770). This variant is not present in population databases (ExAC no frequency).

Literature cited by the submitters: PubMed 18836446; PubMed 20333770.

NM_001142800.2(EYS):c.2474del (p.His825fs)

Gene: EYS (EGF-like photoreceptor maintenance factor; minus strand). Cytogenetic location: 6q12.
Variant type: Deletion.
Coding change: c.2474del on transcript NM_001142800.2 (MANE Select); coding-DNA position 2474, one base deleted (A; older notation c.2474delA).
Protein change: p.His825fs; shifts the reading frame from histidine 825.
Molecular consequence: frameshift variant.
Genome position (GRCh38, 1-based): chr6:64,912,651, T deleted on the plus strand (A on the coding strand, the reverse complement: EYS is on the minus strand). VCF-style (leftmost placement, unchanged base first): chr6-64912650-AT-A. GRCh37 (hg19) VCF-style: chr6-65622543-AT-A.
Other names: c.2474del, p.His825fs (NM_001292009.2); short protein forms H825fs.
Identifiers: ClinVar variation 1369930 (VCV001369930.6), dbSNP rs2150076878, ClinGen allele CA2573141031.
Genomic context (GRCh38, chr6:64,912,650, plus strand): 5'-AAATTGTCCAGTATAAAGGGGTGGGCACAGACATACAAATTGTCCAGGGATGGTAGATTC[AT>A]GACAAAGACCTCCATTCATGCATGGATCAGAGTCGCATTCATTTATTTCTTCACTACAGT-3'